The following is an entry in ClinVar:

ClinVar aggregate classification (germline): Conflicting classifications of pathogenicity. Review status: criteria provided, conflicting classifications (1 of 4 stars). 4 submissions from 4 submitters: Uncertain significance (1); Likely benign (3). Last evaluated 2026-01-11.

Conditions:
Osteogenesis imperfecta type 6. Also called: Osteogenesis imperfecta, type VI. Identifiers: Orphanet 666, MedGen C3279564, MONDO:0013515, OMIM 613982.

Allele frequency attached by ClinVar (database versions not stated): gnomAD 0.00064 and 0.00066; ESP Exome Variant Server 0.00100; 1000 Genomes Project 0.00120; 1000 Genomes Project 30x 0.00125.
gnomAD v4.1: 189 of 1,613,944 alleles (0.012%); highest among the groups gnomAD compares: African/African-American, 0.22%; no homozygotes.

Submissions (4):

Labcorp Genetics (formerly Invitae), Labcorp
Classification: Likely benign. Last evaluated: 2026-01-11. Review status: criteria provided, single submitter. Criteria: Invitae Variant Classification Sherloc (09022015). Collection method: clinical testing. Allele origin: germline.

Women's Health and Genetics/Laboratory Corporation of America, LabCorp
Classification: Likely benign. Last evaluated: 2023-08-02. Review status: criteria provided, single submitter. Criteria: LabCorp Variant Classification Summary - May 2015. Collection method: clinical testing. Allele origin: germline.
Comment: Variant summary: SERPINF1 c.601G>A (p.Asp201Asn) results in a conservative amino acid change located in the Serpin domain (IPR023796) of the encoded protein sequence. Five of five in-silico tools predict a benign effect of the variant on protein function. The variant allele was found at a frequency of 0.00021 in 251330 control chromosomes, predominantly at a frequency of 0.0026 within the African or African-American subpopulation in the gnomAD database. The observed variant frequency within African or African-American control individuals in the gnomAD database is approximately 2 fold of the estimated maximal expected allele frequency for a pathogenic variant in SERPINF1 causing Osteogenesis Imperfecta phenotype (0.0011), strongly suggesting that the variant is a benign polymorphism found primarily in populations of African or African-American origin. c.601G>A has been reported in the literature as a heterozygous variant in an individual affected with familial Otosclerosis within a family exhibiting dominantly inherited Otosclerosis (Ziff_2016). The report does not provide unequivocal conclusions about association of the variant with Osteogenesis Imperfecta. To our knowledge, no experimental evidence demonstrating an impact on protein function has been reported. However, analysis of stapes tissue from the proband with the c.601G>A variant indicated that levels of this transcript are reduced in this individual suggesting a possible affect on gene expression (Ziff_2016). The exact consequence of this finding towards the pathophysiology of disease is not certainly established. The following publications have been ascertained in the context of this evaluation (PMID: 35261846, 27056980). Three submitters have cited clinical-significance assessments for this variant to ClinVar after 2014 and classified this variant as uncertain significance (n=1) and likely benign (n=2). Based on the evidence outlined above, the variant was classified as likely benign.

ARUP Laboratories, Molecular Genetics and Genomics, ARUP Laboratories
Classification: Uncertain significance for Osteogenesis imperfecta type 6. Last evaluated: 2021-07-08. Review status: criteria provided, single submitter. Criteria: ARUP Molecular Germline Variant Investigation Process 2021. Collection method: clinical testing. Allele origin: germline.
Comment: The SERPINF1 c.601G>A; p.Asp201Asn variant (rs137997656) is reported in the literature in an individual affected with otosclerosis, but no second variant in this gene was identified (Ziff 2016). Functional analyses of this variant demonstrated reduced transcription and increased translation of an alternate transcript of SERPINF1 expressed in bone, but the overall phenotypic impact is uncertain (Ziff 2016). This variant is found in the African/African-American population with an allele frequency of 0.23% (58/24934 alleles) in the Genome Aggregation Database. The aspartate at codon 201 is weakly conserved, and computational analyses are uncertain whether this variant is neutral or deleterious (REVEL: 0.200). Due to limited information, the clinical significance of the p.Asp201Asn variant is uncertain at this time. References: Ziff et al. Mutations and altered expression of SERPINF1 in patients with familial otosclerosis. Hum Mol Genet. 2016 Jun 15;25(12):2393-2403. PMID: 27056980.

GeneDx
Classification: Likely benign. Last evaluated: 2020-01-07. Review status: criteria provided, single submitter. Criteria: GeneDx Variant Classification Process June 2021. Collection method: clinical testing. Allele origin: germline. Affected: yes.
Comment: See Variant Classification Assertion Criteria.

Literature cited by the submitters: PubMed 27056980 (cited by Women's Health and Genetics/Laboratory Corporation of America, LabCorp); PubMed 35261846 (cited by Women's Health and Genetics/Laboratory Corporation of America, LabCorp).

NM_002615.7(SERPINF1):c.601G>A (p.Asp201Asn)

Gene: SERPINF1 (serpin family F member 1; plus strand). Cytogenetic location: 17p13.3.
Variant type: single nucleotide variant.
Coding change: c.601G>A on transcript NM_002615.7 (MANE Select); coding-DNA position 601, G replaced by A.
Protein change: p.Asp201Asn; replaces aspartic acid 201 with asparagine.
Molecular consequence: missense variant.
Genome position (GRCh38, 1-based): chr17:1,772,033, G>A. VCF-style: chr17-1772033-G-A. GRCh37 (hg19) VCF-style: chr17-1675327-G-A.
Other names: c.601G>A, p.Asp201Asn (NM_001329903.2); c.40G>A, p.Asp14Asn (NM_001329904.2, NM_001329905.2); short protein forms D14N, D201N.
Identifiers: ClinVar variation 1301343 (VCV001301343.18), dbSNP rs137997656, ClinGen allele CA8274748.
Genomic context (GRCh38, chr17:1,772,033, plus strand): 5'-AACAACTGGGTGCAGGCGCAGATGAAAGGGAAGCTCGCCAGGTCCACAAAGGAAATTCCC[G>A]ATGAGATCAGCATTCTCCTTCTCGGTGTGGCGCACTTCAAGGGTGAGCGCGTCTCCAATT-3'
Protein context (NP_002606.3, residues 191-211): KLARSTKEIP[Asp201Asn]EISILLLGVA